The following is an entry in ClinVar:

ClinVar aggregate classification (germline): Conflicting classifications of pathogenicity. Review status: criteria provided, conflicting classifications (1 of 4 stars). 2 submissions from 2 submitters: Uncertain significance (1); Likely benign (1). Last evaluated 2025-11-01.

Allele frequency attached by ClinVar (database versions not stated): gnomAD 0.00002; TOPMed 0.00002; gnomAD exomes 0.00006.
gnomAD v4.1: 57 of 981,235 alleles (0.0058%); highest among the groups gnomAD compares: Middle Eastern, 0.83%; 1 homozygote.

Submissions (2):

CeGaT Center for Human Genetics Tuebingen
Classification: Likely benign. Last evaluated: 2025-11-01. Review status: criteria provided, single submitter. Criteria: CeGaT Center For Human Genetics Tuebingen Variant Classification Criteria Version 2. Collection method: clinical testing. Allele origin: germline. Affected: yes. Observed: 1 variant allele.
Comment: BCORL1: BP4, BS2

Centre of Medical Genetics, University Hospital Muenster
Classification: Uncertain significance. Last evaluated: 2021-12-15. Review status: criteria provided, single submitter. Criteria: ACMG Guidelines, 2015. Collection method: clinical testing. Allele origin: unknown. Affected: yes. Observed: 1 variant allele, 1 homozygote.
Comment: ACMG categories: PM2,PP3

NM_001379451.1(BCORL1):c.4381A>G (p.Thr1461Ala)

Gene: BCORL1 (BCL6 corepressor like 1; plus strand). Cytogenetic location: Xq26.1.
Variant type: single nucleotide variant.
Coding change: c.4381A>G on transcript NM_001379451.1 (MANE Select); coding-DNA position 4381, A replaced by G.
Protein change: p.Thr1461Ala; replaces threonine 1461 with alanine.
Molecular consequence: missense variant. On other transcripts: intron variant (1).
Genome position (GRCh38, 1-based): chrX:130,034,530, A>G. VCF-style: chrX-130034530-A-G. GRCh37 (hg19) VCF-style: chrX-129168505-A-G.
Other names: c.4381A>G, p.Thr1461Ala (NM_001184772.3, NM_001379450.1); c.4306-2837A>G (NM_021946.5); short protein forms T1461A.
Identifiers: ClinVar variation 1708277 (VCV001708277.26), dbSNP rs1327701948, ClinGen allele CA414554702.